The following is an entry in ClinVar:

ClinVar aggregate classification (germline): Benign. Review status: criteria provided, multiple submitters, no conflicts (2 of 4 stars). 4 submissions from 4 submitters: Benign (4). Last evaluated 2026-01-26.

Allele frequency attached by ClinVar (database versions not stated): TOPMed 0.00618; ESP Exome Variant Server 0.00683; gnomAD exomes 0.00051 and 0.00126; ExAC 0.00164; 1000 Genomes Project 30x 0.00531; gnomAD 0.00565 and 0.00602; 1000 Genomes Project 0.00599.
gnomAD v4.1: 1,611 of 1,613,790 alleles (0.1%); highest among the groups gnomAD compares: African/African-American, 2%; 16 homozygotes.

Submissions (4):

Labcorp Genetics (formerly Invitae), Labcorp
Classification: Benign. Last evaluated: 2026-01-26. Review status: criteria provided, single submitter. Criteria: Invitae Variant Classification Sherloc (09022015). Collection method: clinical testing. Allele origin: germline.

Mayo Clinic Laboratories, Mayo Clinic
Classification: Benign. Last evaluated: 2024-04-03. Review status: criteria provided, single submitter. Criteria: ACMG Guidelines, 2015. Collection method: clinical testing. Allele origin: germline. Observed: 2 variant alleles.
Comment: BS1, BS2

Genetic Services Laboratory, University of Chicago
Classification: Benign. Last evaluated: 2013-04-08. Review status: criteria provided, single submitter. Criteria: ACMG Guidelines, 2007. Collection method: clinical testing. Allele origin: germline. Inheritance: Autosomal recessive inheritance.

Breakthrough Genomics
Classification: Benign. Review status: criteria provided, single submitter. Criteria: ACMG Guidelines, 2015. Collection method: not provided. Allele origin: germline. Inheritance: Autosomal recessive inheritance. Affected: yes.

NM_001080414.4(CCDC88C):c.754C>G (p.Leu252Val)

Gene: CCDC88C (coiled-coil and HOOK domain protein 88C; minus strand). Cytogenetic location: 14q32.11.
Variant type: single nucleotide variant.
Coding change: c.754C>G on transcript NM_001080414.4 (MANE Select); coding-DNA position 754, C replaced by G.
Protein change: p.Leu252Val; replaces leucine 252 with valine.
Molecular consequence: missense variant.
Genome position (GRCh38, 1-based): chr14:91,339,333, G>C on the plus strand (C>G on the coding strand, the complement: CCDC88C is on the minus strand). VCF-style: chr14-91339333-G-C. GRCh37 (hg19) VCF-style: chr14-91805677-G-C.
Other names: p.Leu252Val; short protein forms L252V.
Identifiers: ClinVar variation 158121 (VCV000158121.16), dbSNP rs61745576, ClinGen allele CA171549.